The following is an entry in ClinVar:

NC_000016.9:g.(8768569_8829555)_(8862831_8866636)dup

Gene: ABAT (4-aminobutyrate aminotransferase; plus strand). Cytogenetic location: 16p13.2.
Variant type: Duplication.
Identifiers: ClinVar variation 3769400 (VCV003769400.2).

ClinVar aggregate classification (germline): Uncertain significance (1 of 4 stars; one submission).

Submission:

Women's Health and Genetics/Laboratory Corporation of America, LabCorp
Classification: Uncertain significance. Last evaluated: 2025-01-27. Review status: criteria provided, single submitter. Criteria: LabCorp Variant Classification Summary - May 2015. Collection method: clinical testing. Allele origin: germline.
Comment: Variant summary: The variant involves the duplication of exons 2-11 in the ABAT gene. The exact breakpoint at the 5' end of this variant is unknown, therefore this duplication may extend upstream of the annotated region of this gene. It is predicted to duplicate a segment including the initiation codon, therefore its impact on the encoded protein is unknown. A presumed nomenclature of c.(-42+1_-41-1)_(816+1_817-1)dup has been designated for the purposes of this classification. The variant was absent in 21692 control chromosomes. The available data on variant occurrences in the general population are insufficient to allow any conclusion about variant significance. To our knowledge, no occurrence of c.(-42+1_-41-1)_(816+1_817-1)dup in individuals affected with Gamma-Aminobutyric Acid Transaminase Deficiency and no experimental evidence demonstrating its impact on protein function have been reported. ClinVar contains an entry for this variant (Variation ID: 1444833). Based on the evidence outlined above, the variant was classified as uncertain significance.